The following is an entry in ClinVar:

ClinVar aggregate classification (germline): Uncertain significance. Review status: criteria provided, multiple submitters, no conflicts (2 of 4 stars). 3 submissions from 3 submitters: Uncertain significance (3). Last evaluated 2025-02-18.

Conditions:
COG5-congenital disorder of glycosylation. Also called: CONGENITAL DISORDER OF GLYCOSYLATION, TYPE IIi; COG5-CDG; CDG IIi. Identifiers: Orphanet 263487, MedGen C3150876, MONDO:0013325, OMIM 613612.
Inborn genetic diseases. Identifiers: MedGen C0950123, MeSH D030342.

Allele frequency attached by ClinVar (database versions not stated): TOPMed below 0.00001; gnomAD 0.00001; ExAC 0.00004.
gnomAD v4.1: 13 of 1,611,492 alleles (0.00081%); highest among the groups gnomAD compares: South Asian, 0.013%; no homozygotes.

Submissions (3):

Ambry Genetics
Classification: Uncertain significance for Inborn genetic diseases. Last evaluated: 2025-02-18. Review status: criteria provided, single submitter. Criteria: Ambry Variant Classification Scheme 2023. Collection method: clinical testing. Allele origin: germline.

Blueprint Genetics
Classification: Uncertain significance. Last evaluated: 2024-05-28. Review status: criteria provided, single submitter. Criteria: ACMG Guidelines, 2015. Collection method: clinical testing. Allele origin: germline.

Labcorp Genetics (formerly Invitae), Labcorp
Classification: Uncertain significance for COG5-congenital disorder of glycosylation. Last evaluated: 2022-10-13. Review status: criteria provided, single submitter. Criteria: Invitae Variant Classification Sherloc (09022015). Collection method: clinical testing. Allele origin: germline.
Comment: This sequence change replaces glutamine, which is neutral and polar, with histidine, which is basic and polar, at codon 565 of the COG5 protein (p.Gln565His). This variant is present in population databases (rs759544719, gnomAD 0.01%). In summary, the available evidence is currently insufficient to determine the role of this variant in disease. Therefore, it has been classified as a Variant of Uncertain Significance. Algorithms developed to predict the effect of missense changes on protein structure and function are either unavailable or do not agree on the potential impact of this missense change (SIFT: "Deleterious"; PolyPhen-2: "Probably Damaging"; Align-GVGD: "Class C0"). ClinVar contains an entry for this variant (Variation ID: 1495588). This variant has not been reported in the literature in individuals affected with COG5-related conditions.

NM_006348.5(COG5):c.1602G>C (p.Gln534His)

Genes: COG5 (component of oligomeric golgi complex 5; minus strand), LOC129389837 (MPRA-validated peak6677 silencer; plus strand). Cytogenetic location: 7q22.3.
Variant type: single nucleotide variant.
Coding change: c.1602G>C on transcript NM_006348.5 (MANE Select); coding-DNA position 1602, G replaced by C.
Protein change: p.Gln534His; replaces glutamine 534 with histidine.
Molecular consequence: missense variant. On other transcripts: intron variant (1).
Genome position (GRCh38, 1-based): chr7:107,258,357, C>G on the plus strand (G>C on the coding strand, the complement: COG5 is on the minus strand). VCF-style: chr7-107258357-C-G. GRCh37 (hg19) VCF-style: chr7-106898802-C-G.
Other names: c.1602G>C, p.Gln534His (NM_001161520.2, NM_001379513.1, NM_001379514.1 and 1 more transcripts); c.1440G>C, p.Gln480His (NM_001379511.1); c.1032G>C, p.Gln344His (NM_001379515.1); c.888G>C, p.Gln296His (NM_001379516.1); c.1576-9858G>C (NM_001379512.1); c.1695G>C (NM_006348.3); short protein forms Q480H, Q296H, Q344H, Q534H.
Identifiers: ClinVar variation 1495588 (VCV001495588.8), dbSNP rs759544719, ClinGen allele CA4430849.